The following is an entry in ClinVar:

NM_020937.4(FANCM):c.2858A>C (p.Lys953Thr)

Gene: FANCM (FA complementation group M; plus strand). Cytogenetic location: 14q21.2.
Variant type: single nucleotide variant.
Coding change: c.2858A>C on transcript NM_020937.4 (MANE Select); coding-DNA position 2858, A replaced by C.
Protein change: p.Lys953Thr; replaces lysine 953 with threonine.
Molecular consequence: missense variant.
Genome position (GRCh38, 1-based): chr14:45,175,612, A>C. VCF-style: chr14-45175612-A-C. GRCh37 (hg19) VCF-style: chr14-45644815-A-C.
Other names: c.2780A>C, p.Lys927Thr (NM_001308133.2); short protein forms K927T, K953T.
Identifiers: ClinVar variation 2578269 (VCV002578269.2), dbSNP rs2503184579, ClinGen allele CA389599333.

ClinVar aggregate classification (germline): Uncertain significance. Review status: criteria provided, multiple submitters, no conflicts (2 of 4 stars). 2 submissions from 2 submitters: Uncertain significance (2). Last evaluated 2026-03-22.

Conditions:
Inborn genetic diseases. Identifiers: MedGen C0950123, MeSH D030342.

Allele frequency attached by ClinVar (database versions not stated): gnomAD exomes below 0.00001.
gnomAD v4.1: 1 of 1,613,502 alleles (0.000062%); highest among the groups gnomAD compares: Non-Finnish European, 0.000085%; no homozygotes.

Submissions (2):

Ambry Genetics
Classification: Uncertain significance for Inborn genetic diseases. Last evaluated: 2026-03-22. Review status: criteria provided, single submitter. Criteria: Ambry Variant Classification Scheme 2023. Collection method: clinical testing. Allele origin: germline.
Comment: The p.K953T variant (also known as c.2858A>C), located in coding exon 14 of the FANCM gene, results from an A to C substitution at nucleotide position 2858. The lysine at codon 953 is replaced by threonine, an amino acid with similar properties. This amino acid position is conserved. In addition, this alteration is predicted to be tolerated by in silico analysis. Based on the available evidence, the clinical significance of this variant remains unclear.

GeneDx
Classification: Uncertain significance. Last evaluated: 2023-03-01. Review status: criteria provided, single submitter. Criteria: GeneDx Variant Classification Process June 2021. Collection method: clinical testing. Allele origin: germline. Affected: yes.
Comment: Not observed at significant frequency in large population cohorts (gnomAD); In silico analysis supports that this missense variant has a deleterious effect on protein structure/function; Has not been previously published as pathogenic or benign to our knowledge